The following is an entry in ClinVar:

ClinVar aggregate classification (germline): Uncertain significance (1 of 4 stars; one submission).

Conditions:
Congenital myasthenic syndrome 2A. Also called: Myasthenic syndrome, congenital, 2a, slow-channel. Identifiers: Orphanet 590, MedGen C4225374, MONDO:0014581, OMIM 616313.

Allele frequency attached by ClinVar (database versions not stated): gnomAD exomes 0.00001 and 0.00003; TOPMed 0.00001; ExAC 0.00002; gnomAD 0.00003 and 0.00004.
gnomAD v4.1: 16 of 1,612,622 alleles (0.00099%); highest among the groups gnomAD compares: Admixed American, 0.017%; no homozygotes.

Submission:

Labcorp Genetics (formerly Invitae), Labcorp
Classification: Uncertain significance for Congenital myasthenic syndrome 2A. Last evaluated: 2022-12-25. Review status: criteria provided, single submitter. Criteria: Invitae Variant Classification Sherloc (09022015). Collection method: clinical testing. Allele origin: germline.
Comment: In summary, the available evidence is currently insufficient to determine the role of this variant in disease. Therefore, it has been classified as a Variant of Uncertain Significance. This sequence change replaces glycine, which is neutral and non-polar, with serine, which is neutral and polar, at codon 28 of the CHRNB1 protein (p.Gly28Ser). The frequency data for this variant in the population databases is considered unreliable, as metrics indicate poor data quality at this position in the gnomAD database. This variant has not been reported in the literature in individuals affected with CHRNB1-related conditions. ClinVar contains an entry for this variant (Variation ID: 1378632). Advanced modeling of protein sequence and biophysical properties (such as structural, functional, and spatial information, amino acid conservation, physicochemical variation, residue mobility, and thermodynamic stability) performed at Invitae indicates that this missense variant is not expected to disrupt CHRNB1 protein function.

NM_000747.3(CHRNB1):c.82G>A (p.Gly28Ser)

Gene: CHRNB1 (cholinergic receptor nicotinic beta 1 subunit; plus strand). Cytogenetic location: 17p13.1.
Variant type: single nucleotide variant.
Coding change: c.82G>A on transcript NM_000747.3 (MANE Select); coding-DNA position 82, G replaced by A.
Protein change: p.Gly28Ser; replaces glycine 28 with serine.
Molecular consequence: missense variant.
Genome position (GRCh38, 1-based): chr17:7,445,293, G>A. VCF-style: chr17-7445293-G-A. GRCh37 (hg19) VCF-style: chr17-7348612-G-A.
Other names: short protein forms G28S.
Identifiers: ClinVar variation 1378632 (VCV001378632.8), dbSNP rs761717412, ClinGen allele CA8347628.